The following is an entry in ClinVar:

ClinVar aggregate classification (germline): Pathogenic. Review status: criteria provided, multiple submitters, no conflicts (2 of 4 stars). 2 submissions from 2 submitters: Pathogenic (2). Last evaluated 2021-09-27.

Conditions:
Hereditary cancer-predisposing syndrome. Also called: Hereditary Cancer Syndrome; Tumor predisposition; Hereditary neoplastic syndrome; Neoplastic Syndromes, Hereditary. Identifiers: Orphanet 140162, MedGen C0027672, MeSH D009386, MONDO:0015356.
Hereditary breast ovarian cancer syndrome. Also called: Hereditary breast and ovarian cancer syndrome (HBOC); Breast and ovarian cancer; Hereditary breast and ovarian cancer syndrome; Hereditary breast and/or ovarian cancer syndrome; BRCA1- and BRCA2-Associated Hereditary Breast and Ovarian Cancer; Hereditary breast and ovarian cancer. Identifiers: Orphanet 145, MedGen C0677776, MeSH D061325, MONDO:0003582. Disease mechanism: loss of function.

Submissions (2):

Ambry Genetics
Classification: Pathogenic for Hereditary cancer-predisposing syndrome. Last evaluated: 2021-09-27. Review status: criteria provided, single submitter. Criteria: Ambry Variant Classification Scheme 2023. Collection method: clinical testing. Allele origin: germline.
Comment: The c.3496_3499delGTCA pathogenic mutation, located in coding exon 10 of the BRCA2 gene, results from a deletion of 4 nucleotides at nucleotide positions 3496 to 3499, causing a translational frameshift with a predicted alternate stop codon (p.V1166*). This alteration is expected to result in loss of function by premature protein truncation or nonsense-mediated mRNA decay. As such, this alteration is interpreted as a disease-causing mutation.

Labcorp Genetics (formerly Invitae), Labcorp
Classification: Pathogenic for Hereditary breast ovarian cancer syndrome. Last evaluated: 2021-08-12. Review status: criteria provided, single submitter. Criteria: Invitae Variant Classification Sherloc (09022015). Collection method: clinical testing. Allele origin: germline.
Comment: This variant is not present in population databases (ExAC no frequency). This sequence change creates a premature translational stop signal (p.Val1166*) in the BRCA2 gene. It is expected to result in an absent or disrupted protein product. Loss-of-function variants in BRCA2 are known to be pathogenic (PMID: 20104584). This variant has not been reported in the literature in individuals affected with BRCA2-related conditions. For these reasons, this variant has been classified as Pathogenic.

Literature cited by the submitters: PubMed 20104584 (cited by Labcorp Genetics (formerly Invitae), Labcorp).

NM_000059.4(BRCA2):c.3496_3499del (p.His1165_Val1166insTer)

Gene: BRCA2 (BRCA2 DNA repair associated; plus strand). Cytogenetic location: 13q13.1.
Variant type: Deletion.
Coding change: c.3496_3499del on transcript NM_000059.4 (MANE Select); coding-DNA positions 3496 to 3499, 4 bases deleted (GTCA; older notation c.3496_3499delGTCA).
Protein change: p.His1165_Val1166insTer.
Molecular consequence: nonsense.
Genome position (GRCh38, 1-based): chr13:32,337,851-32,337,854, GTCA deleted. VCF-style (leftmost placement, unchanged base first): chr13-32337850-TGTCA-T. GRCh37 (hg19) VCF-style: chr13-32911987-TGTCA-T.
Identifiers: ClinVar variation 1415763 (VCV001415763.8), dbSNP rs2137497218, ClinGen allele CA2573149319.